The following is an entry in ClinVar:

NM_020921.4(NIN):c.5527C>T (p.His1843Tyr)

Gene: NIN (ninein; minus strand). Cytogenetic location: 14q22.1.
Variant type: single nucleotide variant.
Coding change: c.5527C>T on transcript NM_020921.4 (MANE Select); coding-DNA position 5527, C replaced by T.
Protein change: p.His1843Tyr; replaces histidine 1843 with tyrosine.
Molecular consequence: missense variant.
Genome position (GRCh38, 1-based): chr14:50,739,409, G>A on the plus strand (C>T on the coding strand, the complement: NIN is on the minus strand). VCF-style: chr14-50739409-G-A. GRCh37 (hg19) VCF-style: chr14-51206127-G-A.
Other names: c.3388C>T, p.His1130Tyr (NM_016350.5); c.5527C>T, p.His1843Tyr (NM_182944.3, NM_182946.2); short protein forms H1843Y, H1130Y.
Identifiers: ClinVar variation 2794656 (VCV002794656.3), dbSNP rs1489832871, ClinGen allele CA389677619.

ClinVar aggregate classification (germline): Uncertain significance (1 of 4 stars; one submission).

Allele frequency attached by ClinVar (database versions not stated): gnomAD exomes below 0.00001.
gnomAD v4.1: 2 of 1,614,222 alleles (0.00012%); highest among the groups gnomAD compares: Non-Finnish European, 0.00017%; no homozygotes.

Submission:

Labcorp Genetics (formerly Invitae), Labcorp
Classification: Uncertain significance. Last evaluated: 2025-11-24. Review status: criteria provided, single submitter. Criteria: Invitae Variant Classification Sherloc (09022015). Collection method: clinical testing. Allele origin: germline.
Comment: This sequence change replaces histidine, which is basic and polar, with tyrosine, which is neutral and polar, at codon 1843 of the NIN protein (p.His1843Tyr). This variant is present in population databases (no rsID available, gnomAD 0.002%). This variant has not been reported in the literature in individuals affected with NIN-related conditions. ClinVar contains an entry for this variant (Variation ID: 2794656). An algorithm developed to predict the effect of missense changes on protein structure and function outputs the following: PolyPhen-2: "Benign". The tyrosine amino acid residue is found in multiple mammalian species, which suggests that this missense change does not adversely affect protein function. In summary, the available evidence is currently insufficient to determine the role of this variant in disease. Therefore, it has been classified as a Variant of Uncertain Significance.